The following is an entry in ClinVar:

ClinVar aggregate classification (germline): Pathogenic. Review status: criteria provided, multiple submitters, no conflicts (2 of 4 stars). 2 submissions from 2 submitters: Pathogenic (2). Last evaluated 2020-02-21.

Conditions:
Arrhythmogenic cardiomyopathy with wooly hair and keratoderma. Also called: PALMOPLANTAR KERATODERMA WITH LEFT VENTRICULAR CARDIOMYOPATHY AND WOOLLY HAIR; Carvajal syndrome; Dilated cardiomyopathy with woolly hair and keratoderma; Arrhythmogenic cardiomyopathy with woolly hair and keratoderma. Identifiers: Orphanet 65282, MedGen C1854063, MONDO:0011581, OMIM 605676.
Arrhythmogenic right ventricular dysplasia 8 (ARVD8). Also called: ARRHYTHMOGENIC RIGHT VENTRICULAR DYSPLASIA, FAMILIAL, 8; ARRHYTHMOGENIC RIGHT VENTRICULAR CARDIOMYOPATHY 8; Arrhythmogenic Right Ventricular Dysplasia/Cardiomyopathy 8. Identifiers: MedGen C1843896, MONDO:0011831, OMIM 607450.
Cardiomyopathy (CMYO). Also called: Cardiomyopathies. Identifiers: Orphanet 167848, MedGen C0878544, MONDO:0004994, HP:0001638. Inheritance: Various modes of inheritance.

Submissions (2):

Color Diagnostics, LLC DBA Color Health
Classification: Pathogenic for Cardiomyopathy. Last evaluated: 2020-02-21. Review status: criteria provided, single submitter. Criteria: ACMG Guidelines, 2015. Collection method: clinical testing. Allele origin: germline.
Comment: This variant changes 1 nucleotide in exon 19 of the DSP gene, creating a premature translation stop signal. This variant is expected to result in an absent or non-functional protein product. Computational splicing tools suggest that this variant may not impact RNA splicing. To our knowledge, functional assays have not been performed for this variant nor has this variant been reported in individuals affected with cardiovascular disorders in the literature. This variant has not been identified in the general population by the Genome Aggregation Database (gnomAD). Loss of DSP function is a known mechanism of disease. Based on the available evidence, this variant is classified as Pathogenic.

Labcorp Genetics (formerly Invitae), Labcorp
Classification: Pathogenic for Arrhythmogenic cardiomyopathy with wooly hair and keratoderma; Arrhythmogenic right ventricular dysplasia 8. Last evaluated: 2018-04-02. Review status: criteria provided, single submitter. Criteria: Invitae Variant Classification Sherloc (09022015). Collection method: clinical testing. Allele origin: germline.
Comment: For these reasons, this variant has been classified as Pathogenic. Loss-of-function variants in DSP are known to be pathogenic (PMID: 20716751, 24503780, 25227139). This variant has not been reported in the literature in individuals with DSP-related disease. This variant is not present in population databases (ExAC no frequency). This sequence change creates a premature translational stop signal (p.Gln909*) in the DSP gene. It is expected to result in an absent or disrupted protein product.

Literature cited by the submitters: PubMed 20716751 (cited by Labcorp Genetics (formerly Invitae), Labcorp); PubMed 24503780 (cited by Labcorp Genetics (formerly Invitae), Labcorp); PubMed 25227139 (cited by Labcorp Genetics (formerly Invitae), Labcorp).

NM_004415.4(DSP):c.2725C>T (p.Gln909Ter)

Gene: DSP (desmoplakin; plus strand). Cytogenetic location: 6p24.3.
Variant type: single nucleotide variant.
Coding change: c.2725C>T on transcript NM_004415.4 (MANE Select); coding-DNA position 2725, C replaced by T.
Protein change: p.Gln909Ter; replaces glutamine 909 with a stop codon.
Molecular consequence: nonsense.
Genome position (GRCh38, 1-based): chr6:7,576,388, C>T. VCF-style: chr6-7576388-C-T. GRCh37 (hg19) VCF-style: chr6-7576621-C-T.
Other names: c.2725C>T (LRG_423t1); c.2725C>T, p.Gln909Ter (NM_001008844.3, NM_001319034.2); short protein forms Q909*.
Identifiers: ClinVar variation 577561 (VCV000577561.10), dbSNP rs1561694696, ClinGen allele CA362681990.
Genomic context (GRCh38, chr6:7,576,388, plus strand): 5'-AGGAATTATCGTGATAACTATCAGGCTTTCTGCAAGTGGCTCTATGATGCTAAACGCCGC[C>T]AGGATTCCTTAGAATCCATGAAATTTGGAGATTCCAACACAGTCATGCGGTTTTTGAATG-3'